The following is an entry in ClinVar:

ClinVar aggregate classification (germline): Uncertain significance (1 of 4 stars; one submission).

gnomAD v4.1: 2 of 1,612,674 alleles (0.00012%); highest among the groups gnomAD compares: Non-Finnish European, 0.00017%; no homozygotes.

Submission:

Labcorp Genetics (formerly Invitae), Labcorp
Classification: Uncertain significance. Last evaluated: 2023-12-11. Review status: criteria provided, single submitter. Criteria: Invitae Variant Classification Sherloc (09022015). Collection method: clinical testing. Allele origin: germline.
Comment: This sequence change replaces methionine with threonine at codon 2050 of the MYO18B protein (p.Met2050Thr). The methionine residue is moderately conserved and there is a moderate physicochemical difference between methionine and threonine. This variant is not present in population databases (gnomAD no frequency). This variant has not been reported in the literature in individuals affected with MYO18B-related conditions. ClinVar contains an entry for this variant (Variation ID: 1491818). An algorithm developed to predict the effect of missense changes on protein structure and function (PolyPhen-2) suggests that this variant is likely to be tolerated. In summary, the available evidence is currently insufficient to determine the role of this variant in disease. Therefore, it has been classified as a Variant of Uncertain Significance.

NM_032608.7(MYO18B):c.6149T>C (p.Met2050Thr)

Gene: MYO18B (myosin XVIIIB; plus strand). Cytogenetic location: 22q12.1.
Variant type: single nucleotide variant.
Coding change: c.6149T>C on transcript NM_032608.7 (MANE Select); coding-DNA position 6149, T replaced by C.
Protein change: p.Met2050Thr; replaces methionine 2050 with threonine.
Molecular consequence: missense variant.
Genome position (GRCh38, 1-based): chr22:25,955,357, T>C. VCF-style: chr22-25955357-T-C. GRCh37 (hg19) VCF-style: chr22-26351323-T-C.
Other names: c.6152T>C, p.Met2051Thr (NM_001318245.2); short protein forms M2051T, M2050T.
Identifiers: ClinVar variation 1491818 (VCV001491818.6), dbSNP rs765185367, ClinGen allele CA411009539.
Genomic context (GRCh38, chr22:25,955,357, plus strand): 5'-AGCTGAAGGCCGACATGGAAGAGCTGGTGCAGCGGGAGGCAGAGGCCAGCCGGCGGTGCA[T>C]GGAGCTGGTGAGTCCTGTCCCCATCATGGGCTCTTAGCGACTGAGGGTTTGCAATGTGGT-3'
Protein context (NP_115997.5, residues 2040-2060): QREAEASRRC[Met2050Thr]ELEKYVEELA